The following is an entry in ClinVar:

ClinVar aggregate classification (germline): Conflicting classifications of pathogenicity. Review status: criteria provided, conflicting classifications (1 of 4 stars). 7 submissions from 7 submitters: Uncertain significance (4); Likely benign (3). Last evaluated 2026-03-27.

Conditions:
BAG3-related disorder. Also called: BAG3-related condition.
Cardiovascular phenotype. Identifiers: MedGen CN230736.
Dilated cardiomyopathy 1HH (CMD1HH). Identifiers: Orphanet 154, MedGen C3151293, MONDO:0013479, OMIM 613881.
Myofibrillar myopathy 6. Identifiers: Orphanet 199340, MedGen C2751831, MONDO:0013061, OMIM 612954.

Allele frequency attached by ClinVar (database versions not stated): gnomAD exomes below 0.00001; TOPMed 0.00002; gnomAD 0.00005 and 0.00006.
gnomAD v4.1: 11 of 1,583,022 alleles (0.00069%); highest among the groups gnomAD compares: African/African-American, 0.014%; no homozygotes.

Submissions (7):

Molecular Diagnostic Laboratory for Inherited Cardiovascular Disease, Montreal Heart Institute
Classification: Likely benign. Last evaluated: 2026-03-27. Review status: criteria provided, single submitter. Criteria: ACMG Guidelines, 2015. Collection method: clinical testing. Allele origin: germline. Affected: no.
Comment: BS1;BP4

Labcorp Genetics (formerly Invitae), Labcorp
Classification: Likely benign for Dilated cardiomyopathy 1HH; Myofibrillar myopathy 6. Last evaluated: 2025-12-24. Review status: criteria provided, single submitter. Criteria: Invitae Variant Classification Sherloc (09022015). Collection method: clinical testing. Allele origin: germline.

Ambry Genetics
Classification: Likely benign for Cardiovascular phenotype. Last evaluated: 2025-03-06. Review status: criteria provided, single submitter. Criteria: Ambry Variant Classification Scheme 2023. Collection method: clinical testing. Allele origin: germline.

PreventionGenetics, part of Exact Sciences
Classification: Uncertain significance for BAG3-related condition. Last evaluated: 2023-08-05. Review status: criteria provided, single submitter. Criteria: ACMG Guidelines, 2015. Collection method: clinical testing. Allele origin: germline.
Comment: The BAG3 c.167C>G variant is predicted to result in the amino acid substitution p.Ser56Cys. To our knowledge, this variant has not been reported in association with disorders in the literature. This variant is reported in 0.025% of alleles in individuals of African descent in gnomAD. At this time, the clinical significance of this variant is uncertain due to the absence of conclusive functional and genetic evidence.

Revvity Omics, Revvity
Classification: Uncertain significance. Last evaluated: 2023-04-25. Review status: criteria provided, single submitter. Criteria: ACMG Guidelines, 2015. Collection method: clinical testing. Allele origin: germline.

GeneDx
Classification: Uncertain significance. Last evaluated: 2022-12-28. Review status: criteria provided, single submitter. Criteria: GeneDx Variant Classification Process June 2021. Collection method: clinical testing. Allele origin: germline. Affected: yes.
Comment: Has not been previously published as pathogenic or benign to our knowledge; Not observed at significant frequency in large population cohorts (gnomAD); In silico analysis supports that this missense variant does not alter protein structure/function

Blueprint Genetics
Classification: Uncertain significance. Last evaluated: 2019-11-18. Review status: criteria provided, single submitter. Criteria: ACMG Guidelines, 2015. Collection method: clinical testing. Allele origin: germline.

NM_004281.4(BAG3):c.167C>G (p.Ser56Cys)

Gene: BAG3 (BAG cochaperone 3; plus strand). Cytogenetic location: 10q26.11.
Variant type: single nucleotide variant.
Coding change: c.167C>G on transcript NM_004281.4 (MANE Select); coding-DNA position 167, C replaced by G.
Protein change: p.Ser56Cys; replaces serine 56 with cysteine.
Molecular consequence: missense variant.
Genome position (GRCh38, 1-based): chr10:119,651,842, C>G. VCF-style: chr10-119651842-C-G. GRCh37 (hg19) VCF-style: chr10-121411354-C-G.
Other names: short protein forms S56C.
Identifiers: ClinVar variation 239789 (VCV000239789.15), dbSNP rs777100532, ClinGen allele CA5716231.
Genomic context (GRCh38, chr10:119,651,842, plus strand): 5'-GGCCCTTCTTCGTGGACCACAACAGCCGCACCACTACGTGGAACGACCCGCGCGTGCCCT[C>G]TGAGGGCCCCAAGGTGAGCCGGGCCCGCGGCCCGCCCTGGTCGGTGGCGCCACCTCGACG-3'
Protein context (NP_004272.2, residues 46-66): TTTWNDPRVP[Ser56Cys]EGPKETPSSA